The following is an entry in ClinVar:

ClinVar aggregate classification (germline): Uncertain significance. Review status: criteria provided, multiple submitters, no conflicts (2 of 4 stars). 3 submissions from 3 submitters: Uncertain significance (3). Last evaluated 2024-11-10.

Conditions:
Inborn genetic diseases. Identifiers: MedGen C0950123, MeSH D030342.
Kabuki syndrome 1 (KABUK1). Also called: KMT2D-Related Kabuki Syndrome. Identifiers: Orphanet 2322, MedGen CN030661, MONDO:0007843, OMIM 147920.
Choanal atresia-athelia-hypothyroidism-delayed puberty-short stature syndrome (BCAHH). Also called: BRANCHIAL ARCH ABNORMALITIES, CHOANAL ATRESIA, ATHELIA, HEARING LOSS, AND HYPOTHYROIDISM SYNDROME. Identifiers: Orphanet 589856, MedGen C5680310, MONDO:0035651, OMIM 620186.
Kabuki syndrome. Also called: NIIKAWA-KUROKI SYNDROME; Kabuki make-up syndrome. Identifiers: Orphanet 2322, MedGen C0796004, MONDO:0016512.

Submissions (3):

Ambry Genetics
Classification: Uncertain significance for Inborn genetic diseases. Last evaluated: 2024-11-10. Review status: criteria provided, single submitter. Criteria: Ambry Variant Classification Scheme 2023. Collection method: clinical testing. Allele origin: germline.

Labcorp Genetics (formerly Invitae), Labcorp
Classification: Uncertain significance for Kabuki syndrome. Last evaluated: 2024-07-31. Review status: criteria provided, single submitter. Criteria: Invitae Variant Classification Sherloc (09022015). Collection method: clinical testing. Allele origin: germline.
Comment: This sequence change replaces threonine, which is neutral and polar, with arginine, which is basic and polar, at codon 1980 of the KMT2D protein (p.Thr1980Arg). This variant is not present in population databases (gnomAD no frequency). This variant has not been reported in the literature in individuals affected with KMT2D-related conditions. ClinVar contains an entry for this variant (Variation ID: 1404951). Advanced modeling of protein sequence and biophysical properties (such as structural, functional, and spatial information, amino acid conservation, physicochemical variation, residue mobility, and thermodynamic stability) performed at Invitae indicates that this missense variant is not expected to disrupt KMT2D protein function with a negative predictive value of 95%. In summary, the available evidence is currently insufficient to determine the role of this variant in disease. Therefore, it has been classified as a Variant of Uncertain Significance.

Fulgent Genetics
Classification: Uncertain significance for Kabuki syndrome 1; Choanal atresia-athelia-hypothyroidism-delayed puberty-short stature syndrome. Last evaluated: 2024-02-14. Review status: criteria provided, single submitter. Criteria: ACMG Guidelines, 2015. Collection method: clinical testing. Allele origin: germline.

NM_003482.4(KMT2D):c.5939C>G (p.Thr1980Arg)

Gene: KMT2D (lysine methyltransferase 2D; minus strand). Cytogenetic location: 12q13.12.
Variant type: single nucleotide variant.
Coding change: c.5939C>G on transcript NM_003482.4 (MANE Select); coding-DNA position 5939, C replaced by G.
Protein change: p.Thr1980Arg; replaces threonine 1980 with arginine.
Molecular consequence: missense variant.
Genome position (GRCh38, 1-based): chr12:49,042,259, G>C on the plus strand (C>G on the coding strand, the complement: KMT2D is on the minus strand). VCF-style: chr12-49042259-G-C. GRCh37 (hg19) VCF-style: chr12-49436042-G-C.
Other names: c.5939C>G (NM_003482.3); short protein forms T1980R.
Identifiers: ClinVar variation 1404951 (VCV001404951.8), dbSNP rs1164333482, ClinGen allele CA384627438.